The following is an entry in ClinVar:

NM_024577.4(SH3TC2):c.2939G>A (p.Cys980Tyr)

Gene: SH3TC2 (SH3 domain and tetratricopeptide repeats 2; minus strand). Cytogenetic location: 5q32.
Variant type: single nucleotide variant.
Coding change: c.2939G>A on transcript NM_024577.4 (MANE Select); coding-DNA position 2939, G replaced by A.
Protein change: p.Cys980Tyr; replaces cysteine 980 with tyrosine.
Molecular consequence: missense variant.
Genome position (GRCh38, 1-based): chr5:149,026,686, C>T on the plus strand (G>A on the coding strand, the complement: SH3TC2 is on the minus strand). VCF-style: chr5-149026686-C-T. GRCh37 (hg19) VCF-style: chr5-148406249-C-T.
Other names: short protein forms C980Y.
Identifiers: ClinVar variation 4694037 (VCV004694037.1).

ClinVar aggregate classification (germline): Uncertain significance (1 of 4 stars; one submission).

Conditions:
Charcot-Marie-Tooth disease type 4. Also called: Charcot-Marie-Tooth disease, type IV; Charcot-Marie-Tooth, Type 4. Identifiers: Orphanet 64749, MedGen C4082197, MONDO:0018995.

Submission:

Labcorp Genetics (formerly Invitae), Labcorp
Classification: Uncertain significance for Charcot-Marie-Tooth disease type 4. Last evaluated: 2025-02-11. Review status: criteria provided, single submitter. Criteria: Invitae Variant Classification Sherloc (09022015). Collection method: clinical testing. Allele origin: germline.
Comment: This sequence change replaces cysteine, which is neutral and slightly polar, with tyrosine, which is neutral and polar, at codon 980 of the SH3TC2 protein (p.Cys980Tyr). This variant is not present in population databases (gnomAD no frequency). This variant has not been reported in the literature in individuals affected with SH3TC2-related conditions. Invitae Evidence Modeling of protein sequence and biophysical properties (such as structural, functional, and spatial information, amino acid conservation, physicochemical variation, residue mobility, and thermodynamic stability) has been performed for this missense variant. However, the output from this modeling did not meet the statistical confidence thresholds required to predict the impact of this variant on SH3TC2 protein function. In summary, the available evidence is currently insufficient to determine the role of this variant in disease. Therefore, it has been classified as a Variant of Uncertain Significance.